The following is an entry in ClinVar:

ClinVar aggregate classification (germline): Uncertain significance (1 of 4 stars; one submission).

Conditions:
Neuroblastoma, susceptibility to, 3. Also called: ALK-Related Neuroblastic Tumor Susceptibility. Identifiers: Orphanet 635, MedGen C2751681, MONDO:0013083, OMIM 613014.

Submission:

Labcorp Genetics (formerly Invitae), Labcorp
Classification: Uncertain significance for Neuroblastoma, susceptibility to, 3. Last evaluated: 2024-05-21. Review status: criteria provided, single submitter. Criteria: Invitae Variant Classification Sherloc (09022015). Collection method: clinical testing. Allele origin: germline.
Comment: This sequence change replaces histidine, which is basic and polar, with arginine, which is basic and polar, at codon 1603 of the ALK protein (p.His1603Arg). This variant is not present in population databases (gnomAD no frequency). This variant has not been reported in the literature in individuals affected with ALK-related conditions. Algorithms developed to predict the effect of missense changes on protein structure and function output the following: SIFT: "Not Available"; PolyPhen-2: "Benign"; Align-GVGD: "Not Available". The arginine amino acid residue is found in multiple mammalian species, which suggests that this missense change does not adversely affect protein function. In summary, the available evidence is currently insufficient to determine the role of this variant in disease. Therefore, it has been classified as a Variant of Uncertain Significance.

NM_004304.5(ALK):c.4808A>G (p.His1603Arg)

Gene: ALK (ALK receptor tyrosine kinase; minus strand). Cytogenetic location: 2p23.2.
Variant type: single nucleotide variant.
Coding change: c.4808A>G on transcript NM_004304.5 (MANE Select); coding-DNA position 4808, A replaced by G.
Protein change: p.His1603Arg; replaces histidine 1603 with arginine.
Molecular consequence: missense variant.
Genome position (GRCh38, 1-based): chr2:29,193,279, T>C on the plus strand (A>G on the coding strand, the complement: ALK is on the minus strand). VCF-style: chr2-29193279-T-C. GRCh37 (hg19) VCF-style: chr2-29416145-T-C.
Other names: c.1604A>G, p.His535Arg (NM_001353765.2); short protein forms H1603R, H535R.
Identifiers: ClinVar variation 3651642 (VCV003651642.2).
Genomic context (GRCh38, chr2:29,193,279, plus strand): 5'-CGAGCTCAGGGCCCAGGCTGGTTCATGCTATTCTTGCTTTTCAGAATGGTATCCTCGTAA[T>C]GACCAGCTCCAGGGGCAGTAGCGGCTTCTAAGGGCAAGCCCTGTTGCTGGTAGCCGTAAT-3'
Protein context (NP_004295.2, residues 1593-1613): LEAATAPGAG[His1603Arg]YEDTILKSKN